The following is an entry in ClinVar:

ClinVar aggregate classification (germline): Uncertain significance. Review status: criteria provided, multiple submitters, no conflicts (2 of 4 stars). 2 submissions from 2 submitters: Uncertain significance (2). Last evaluated 2022-03-07.

Conditions:
Long QT syndrome (LQTS). Identifiers: MedGen C0023976, MeSH D008133, MONDO:0002442. Disease mechanism: loss of function. Inheritance: Various modes of inheritance.

Allele frequency attached by ClinVar (database versions not stated): gnomAD exomes below 0.00001.
gnomAD v4.1: 2 of 1,614,124 alleles (0.00012%); highest among the groups gnomAD compares: Non-Finnish European, 0.00017%; no homozygotes.

Submissions (2):

Department of Pathology and Laboratory Medicine, Sinai Health System
Classification: Uncertain significance for long QT syndrome. Last evaluated: 2022-03-07. Review status: criteria provided, single submitter. Criteria: ACMG Guidelines, 2015. Collection method: research. Allele origin: germline.

Labcorp Genetics (formerly Invitae), Labcorp
Classification: Uncertain significance for Long QT syndrome. Last evaluated: 2022-02-01. Review status: criteria provided, single submitter. Criteria: Invitae Variant Classification Sherloc (09022015). Collection method: clinical testing. Allele origin: germline.
Comment: This variant is not present in population databases (gnomAD no frequency). This sequence change replaces lysine, which is basic and polar, with arginine, which is basic and polar, at codon 3199 of the AKAP9 protein (p.Lys3199Arg). This variant has not been reported in the literature in individuals affected with AKAP9-related conditions. In summary, the available evidence is currently insufficient to determine the role of this variant in disease. Therefore, it has been classified as a Variant of Uncertain Significance. Algorithms developed to predict the effect of missense changes on protein structure and function are either unavailable or do not agree on the potential impact of this missense change (SIFT: "Tolerated"; PolyPhen-2: "Probably Damaging"; Align-GVGD: "Class C0").

NM_005751.5(AKAP9):c.9596A>G (p.Lys3199Arg)

Gene: AKAP9 (A-kinase anchoring protein 9; plus strand). Cytogenetic location: 7q21.2.
Variant type: single nucleotide variant.
Coding change: c.9596A>G on transcript NM_005751.5 (MANE Select); coding-DNA position 9596, A replaced by G.
Protein change: p.Lys3199Arg; replaces lysine 3199 with arginine.
Molecular consequence: missense variant.
Genome position (GRCh38, 1-based): chr7:92,095,040, A>G. VCF-style: chr7-92095040-A-G. GRCh37 (hg19) VCF-style: chr7-91724354-A-G.
Other names: c.4241A>G, p.Lys1414Arg (NM_001379277.1); c.9572A>G, p.Lys3191Arg (NM_147185.3); short protein forms K1414R, K3191R, K3199R.
Identifiers: ClinVar variation 1955751 (VCV001955751.6), dbSNP rs2535294642, ClinGen allele CA368149129.